The following is an entry in ClinVar:

NM_003000.3(SDHB):c.90G>C (p.Gln30His)

Gene: SDHB (succinate dehydrogenase complex iron sulfur subunit B; minus strand). Cytogenetic location: 1p36.13.
Variant type: single nucleotide variant.
Coding change: c.90G>C on transcript NM_003000.3 (MANE Select); coding-DNA position 90, G replaced by C.
Protein change: p.Gln30His; replaces glutamine 30 with histidine.
Molecular consequence: missense variant.
Genome position (GRCh38, 1-based): chr1:17,044,871, C>G on the plus strand (G>C on the coding strand, the complement: SDHB is on the minus strand). VCF-style: chr1-17044871-C-G. GRCh37 (hg19) VCF-style: chr1-17371366-C-G.
Other names: c.90G>C, p.Gln30His (NM_001407361.1); short protein forms Q30H.
Identifiers: ClinVar variation 2928919 (VCV002928919.3), dbSNP rs749662497, ClinGen allele CA338228363.
Genomic context (GRCh38, chr1:17,044,871, plus strand): 5'-GTCTGGGTCCCATCGATAGATGGCAAATTTCTTGATACGGGGAGCTGTGGCTGCAGCTGT[C>G]TGGGCTCCTCGGGAGGCCTGAAATTTTTTAAAGTTCACAAAAAGGAAAAAAAAATTAGAA-3'
Protein context (NP_002991.2, residues 20-40): GACLQASRGA[Gln30His]TAAATAPRIK

ClinVar aggregate classification (germline): Uncertain significance (1 of 4 stars; one submission).

Conditions:
Pheochromocytoma. Also called: MAX-Related Hereditary Paraganglioma-Pheochromocytoma Syndrome. Identifiers: Orphanet 29072, MedGen C0031511, MONDO:0008233, OMIM 171300, HP:0002666.
Gastrointestinal stromal tumor. Also called: Gastrointestinal stromal tumor, somatic; Gastrointestinal stroma tumor. Identifiers: Orphanet 44890, MedGen C0238198, MeSH D046152, MONDO:0011719, OMIM 606764, HP:0100723.
Pheochromocytoma/paraganglioma syndrome 4. Also called: CAROTID BODY TUMORS AND MULTIPLE EXTRAADRENAL PHEOCHROMOCYTOMAS; PARAGANGLIOMA, FAMILIAL MALIGNANT; PARAGANGLIOMAS, HEREDITARY EXTRAADRENAL; PHEOCHROMOCYTOMA, FAMILIAL EXTRAADRENAL; Paragangliomas 4; SDHB-Related Hereditary Paraganglioma-Pheochromocytoma Syndrome (Paragangliomas 4). Identifiers: Orphanet 29072, MedGen C1861848, MONDO:0007273, OMIM 115310.

Submission:

Labcorp Genetics (formerly Invitae), Labcorp
Classification: Uncertain significance for Gastrointestinal stromal tumor; Pheochromocytoma/paraganglioma syndrome 4; Pheochromocytoma. Last evaluated: 2023-01-20. Review status: criteria provided, single submitter. Criteria: Invitae Variant Classification Sherloc (09022015). Collection method: clinical testing. Allele origin: germline.
Comment: Advanced modeling of protein sequence and biophysical properties (such as structural, functional, and spatial information, amino acid conservation, physicochemical variation, residue mobility, and thermodynamic stability) performed at Invitae indicates that this missense variant is not expected to disrupt SDHB protein function. This sequence change replaces glutamine, which is neutral and polar, with histidine, which is basic and polar, at codon 30 of the SDHB protein (p.Gln30His). This variant is not present in population databases (gnomAD no frequency). This variant has not been reported in the literature in individuals affected with SDHB-related conditions. In summary, the available evidence is currently insufficient to determine the role of this variant in disease. Therefore, it has been classified as a Variant of Uncertain Significance.